The following is an entry in ClinVar:

NM_003737.4(DCHS1):c.6929G>C (p.Trp2310Ser)

Gene: DCHS1 (dachsous cadherin-related 1; minus strand). Cytogenetic location: 11p15.4.
Variant type: single nucleotide variant.
Coding change: c.6929G>C on transcript NM_003737.4 (MANE Select); coding-DNA position 6929, G replaced by C.
Protein change: p.Trp2310Ser; replaces tryptophan 2310 with serine.
Molecular consequence: missense variant.
Genome position (GRCh38, 1-based): chr11:6,625,415, C>G on the plus strand (G>C on the coding strand, the complement: DCHS1 is on the minus strand). VCF-style: chr11-6625415-C-G. GRCh37 (hg19) VCF-style: chr11-6646646-C-G.
Other names: c.6929G>C (NM_003737.2); short protein forms W2310S.
Identifiers: ClinVar variation 2175351 (VCV002175351.9), dbSNP rs1025172940, ClinGen allele CA217330306.

ClinVar aggregate classification (germline): Uncertain significance. Review status: criteria provided, multiple submitters, no conflicts (2 of 4 stars). 3 submissions from 3 submitters: Uncertain significance (3). Last evaluated 2025-09-16.

Allele frequency attached by ClinVar (database versions not stated): gnomAD exomes below 0.00001; TOPMed below 0.00001; gnomAD 0.00001.
gnomAD v4.1: 8 of 1,605,834 alleles (0.0005%); highest among the groups gnomAD compares: Admixed American, 0.0051%; no homozygotes.

Submissions (3):

Labcorp Genetics (formerly Invitae), Labcorp
Classification: Uncertain significance. Last evaluated: 2025-09-16. Review status: criteria provided, single submitter. Criteria: Invitae Variant Classification Sherloc (09022015). Collection method: clinical testing. Allele origin: germline.
Comment: This sequence change replaces tryptophan, which is neutral and slightly polar, with serine, which is neutral and polar, at codon 2310 of the DCHS1 protein (p.Trp2310Ser). This variant is present in population databases (no rsID available, gnomAD 0.006%). This variant has not been reported in the literature in individuals affected with DCHS1-related conditions. ClinVar contains an entry for this variant (Variation ID: 2175351). Invitae Evidence Modeling of protein sequence and biophysical properties (such as structural, functional, and spatial information, amino acid conservation, physicochemical variation, residue mobility, and thermodynamic stability) indicates that this missense variant is not expected to disrupt DCHS1 protein function with a negative predictive value of 80%. In summary, the available evidence is currently insufficient to determine the role of this variant in disease. Therefore, it has been classified as a Variant of Uncertain Significance.

Women's Health and Genetics/Laboratory Corporation of America, LabCorp
Classification: Uncertain significance. Last evaluated: 2024-02-20. Review status: criteria provided, single submitter. Criteria: LabCorp Variant Classification Summary - May 2015. Collection method: clinical testing. Allele origin: germline.
Comment: Variant summary: DCHS1 c.6929G>C (p.Trp2310Ser) results in a non-conservative amino acid change located in the Cadherin-like domain (IPR002126) of the encoded protein sequence. Three of five in-silico tools predict a benign effect of the variant on protein function. The variant allele was found at a frequency of 1.2e-05 in 244710 control chromosomes (gnomAD). The available data on variant occurrences in the general population are insufficient to allow any conclusion about variant significance. To our knowledge, no occurrence of c.6929G>C in individuals affected with DCHS1-Related Disorders and no experimental evidence demonstrating its impact on protein function have been reported. ClinVar contains an entry for this variant (Variation ID: 2175351). Based on the evidence outlined above, the variant was classified as uncertain significance.

Revvity Omics, Revvity
Classification: Uncertain significance. Last evaluated: 2019-05-23. Review status: criteria provided, single submitter. Criteria: ACMG Guidelines, 2015. Collection method: clinical testing. Allele origin: germline.